The following is an entry in ClinVar:

ClinVar aggregate classification (germline): Conflicting classifications of pathogenicity. Review status: criteria provided, conflicting classifications (1 of 4 stars). 3 submissions from 2 submitters: Uncertain significance (1); Likely benign (2). Last evaluated 2021-10-19.

Conditions:
Isolated microphthalmia 2. Identifiers: Orphanet 2542, MedGen C1864720, MONDO:0012409, OMIM 610093.
Microphthalmia, isolated, with coloboma 3 (MCOPCB3). Also called: MICROPHTHALMIA/COLOBOMA 3; MICROPHTHALMIA, COLOBOMATOUS, 3. Identifiers: Orphanet 98938, MedGen C1864721, MONDO:0012408, OMIM 610092.

Allele frequency attached by ClinVar (database versions not stated): gnomAD 0.00562 and 0.00535; 1000 Genomes Project 0.00759; TOPMed 0.00620; 1000 Genomes Project 30x 0.00703.

Submissions (3):

GeneDx
Classification: Likely benign. Last evaluated: 2021-10-19. Review status: criteria provided, single submitter. Criteria: GeneDx Variant Classification Process June 2021. Collection method: clinical testing. Allele origin: germline. Affected: yes.
Comment: See Variant Classification Assertion Criteria.

Illumina Laboratory Services, Illumina
Classification: Uncertain significance for Microphthalmia, isolated, with coloboma 3. Last evaluated: 2018-01-12. Review status: criteria provided, single submitter. Criteria: ICSL Variant Classification Criteria 13 December 2019. Collection method: clinical testing. Allele origin: germline.

Illumina Laboratory Services, Illumina
Classification: Likely benign for Isolated microphthalmia 2. Last evaluated: 2018-01-12. Review status: criteria provided, single submitter. Criteria: ICSL Variant Classification Criteria 13 December 2019. Collection method: clinical testing. Allele origin: germline.
Comment: This variant was observed in the ICSL laboratory as part of a predisposition screen in an ostensibly healthy population. It had not been previously curated by ICSL or reported in the Human Gene Mutation Database (HGMD: prior to June 1st, 2018), and was therefore a candidate for classification through an automated scoring system. Utilizing variant allele frequency, disease prevalence and penetrance estimates, and inheritance mode, an automated score was calculated to assess if this variant is too frequent to cause the disease. Based on the score and internal cut-off values, a variant classified as likely benign is not then subjected to further curation. The score for this variant resulted in a classification of likely benign for this disease.

NM_182894.3(VSX2):c.*1311G>A

Gene: VSX2 (visual system homeobox 2; plus strand). Cytogenetic location: 14q24.3.
Variant type: single nucleotide variant.
Coding change: c.*1311G>A on transcript NM_182894.3 (MANE Select); 1311 bases downstream of the stop codon, G replaced by A.
Molecular consequence: 3 prime UTR variant.
Genome position (GRCh38, 1-based): chr14:74,262,230, G>A. VCF-style: chr14-74262230-G-A. GRCh37 (hg19) VCF-style: chr14-74728933-G-A.
Identifiers: ClinVar variation 314222 (VCV000314222.6), dbSNP rs114889622, ClinGen allele CA10635291.
Genomic context (GRCh38, chr14:74,262,230, plus strand): 5'-ACGCCTTCATGCCAGTGCATGCCAGGAAGCACGTTCACTAGACTAAAACACGGTAACCAT[G>A]ATGGAATAAGGAGCTGGGGCTTCTTTCTGCTGGCTGATGGGTGGACCTGTGTATGGTGAC-3'